The following is an entry in ClinVar:

ClinVar aggregate classification (germline): Uncertain significance (1 of 4 stars; one submission).

Conditions:
3-methylglutaconic aciduria, type VIIB (MGCA7B). Also called: 3-methylglutaconic aciduria, type VII, with cataracts, neurologic involvement and neutropenia; CLPB Deficiency; 3-methylglutaconic aciduria with cataracts, neurologic involvement and neutropenia. Identifiers: Orphanet 445038, MedGen C5676893, MONDO:0014561, OMIM 616271.

gnomAD v4.1: 2 of 1,614,180 alleles (0.00012%); highest among the groups gnomAD compares: South Asian, 0.0011%; no homozygotes.

Submission:

Labcorp Genetics (formerly Invitae), Labcorp
Classification: Uncertain significance for 3-methylglutaconic aciduria, type VIIB. Last evaluated: 2025-07-07. Review status: criteria provided, single submitter. Criteria: Invitae Variant Classification Sherloc (09022015). Collection method: clinical testing. Allele origin: germline.
Comment: This sequence change replaces isoleucine, which is neutral and non-polar, with valine, which is neutral and non-polar, at codon 683 of the CLPB protein (p.Ile683Val). This variant is not present in population databases (gnomAD no frequency). This variant has not been reported in the literature in individuals affected with CLPB-related conditions. ClinVar contains an entry for this variant (Variation ID: 3698432). An algorithm developed to predict the effect of missense changes on protein structure and function outputs the following: PolyPhen-2: "Benign". The valine amino acid residue is found in multiple mammalian species, which suggests that this missense change does not adversely affect protein function. In summary, the available evidence is currently insufficient to determine the role of this variant in disease. Therefore, it has been classified as a Variant of Uncertain Significance.

NM_001258392.3(CLPB):c.1957A>G (p.Ile653Val)

Gene: CLPB (ClpB family mitochondrial disaggregase; minus strand). Cytogenetic location: 11q13.4.
Variant type: single nucleotide variant.
Coding change: c.1957A>G on transcript NM_001258392.3 (MANE Select); coding-DNA position 1957, A replaced by G.
Protein change: p.Ile653Val; replaces isoleucine 653 with valine.
Molecular consequence: missense variant.
Genome position (GRCh38, 1-based): chr11:72,293,444, T>C on the plus strand (A>G on the coding strand, the complement: CLPB is on the minus strand). VCF-style: chr11-72293444-T-C. GRCh37 (hg19) VCF-style: chr11-72004488-T-C.
Other names: c.1870A>G, p.Ile624Val (NM_001258393.3); c.1912A>G, p.Ile638Val (NM_001258394.3); c.2047A>G, p.Ile683Val (NM_030813.6); short protein forms I638V, I653V, I624V, I683V.
Identifiers: ClinVar variation 3698432 (VCV003698432.2).